The following is an entry in ClinVar:

ClinVar aggregate classification (germline): Uncertain significance (1 of 4 stars; one submission).

Conditions:
Hereditary cancer-predisposing syndrome. Also called: Hereditary neoplastic syndrome; Tumor predisposition; Neoplastic Syndromes, Hereditary; Hereditary Cancer Syndrome. Identifiers: Orphanet 140162, MedGen C0027672, MeSH D009386, MONDO:0015356.

Submission:

Sema4
Classification: Uncertain significance for Hereditary cancer-predisposing syndrome. Last evaluated: 2021-11-08. Review status: criteria provided, single submitter. Criteria: Sema4 Curation Guidelines. Collection method: curation. Allele origin: germline.
Comment: The HRAS c.481C>G (p.R161G) variant has not been reported in the literature to our knowledge. It was not observed in the Genome Aggregation Database. The variant has not been reported in ClinVar. Functional studies have not been performed, and in silico predictions of the variant's effect on protein function are inconclusive. The evidence is insufficient to meet ACMG/AMP criteria for classifying the variant as benign or pathogenic. Thus, the clinical significance of this variant is currently uncertain.

NM_005343.4(HRAS):c.481C>G (p.Arg161Gly)

Genes: HRAS (HRas proto-oncogene, GTPase; minus strand), LRRC56 (leucine rich repeat containing 56; plus strand). Cytogenetic location: 11p15.5.
Variant type: single nucleotide variant.
Coding change: c.481C>G on transcript NM_005343.4 (MANE Select); coding-DNA position 481, C replaced by G.
Protein change: p.Arg161Gly; replaces arginine 161 with glycine.
Molecular consequence: missense variant. On other transcripts: 3 prime UTR variant (1).
Genome position (GRCh38, 1-based): chr11:532,725, G>C on the plus strand (C>G on the coding strand, the complement: HRAS is on the minus strand). VCF-style: chr11-532725-G-C. GRCh37 (hg19) VCF-style: chr11-532725-G-C.
Other names: c.481C>G, p.Arg161Gly (NM_001130442.3); c.244C>G, p.Arg82Gly (NM_001318054.2); c.*50C>G (NM_176795.5); short protein forms R161G, R82G.
Identifiers: ClinVar variation 1692890 (VCV001692890.1), dbSNP rs758956556, ClinGen allele CA378921170.